The following is an entry in ClinVar:

ClinVar aggregate classification (germline): Likely benign. Review status: criteria provided, multiple submitters, no conflicts (2 of 4 stars). 3 submissions from 3 submitters: Likely benign (3). Last evaluated 2025-12-09.

Conditions:
MEGF10-related myopathy (CMYO10A). Also called: Congenital myopathy 10A, severe variant. Identifiers: Orphanet 439212, MedGen C3280679, MONDO:0013731, OMIM 614399.

Allele frequency attached by ClinVar (database versions not stated): gnomAD 0.00001; ExAC 0.00002; gnomAD exomes 0.00002; TOPMed 0.00002.
gnomAD v4.1: 28 of 1,497,976 alleles (0.0019%); highest among the groups gnomAD compares: Middle Eastern, 0.051%; no homozygotes.

Submissions (3):

Labcorp Genetics (formerly Invitae), Labcorp
Classification: Likely benign for MEGF10-related myopathy. Last evaluated: 2025-12-09. Review status: criteria provided, single submitter. Criteria: Invitae Variant Classification Sherloc (09022015). Collection method: clinical testing. Allele origin: germline.

GeneDx
Classification: Likely benign. Last evaluated: 2016-03-29. Review status: criteria provided, single submitter. Criteria: GeneDx Variant Classification (06012015). Collection method: clinical testing. Allele origin: germline. Affected: yes.
Comment: This variant is considered likely benign or benign based on one or more of the following criteria: it is a conservative change, it occurs at a poorly conserved position in the protein, it is predicted to be benign by multiple in silico algorithms, and/or has population frequency not consistent with disease.

Breakthrough Genomics
Classification: Likely benign. Review status: criteria provided, single submitter. Criteria: ACMG Guidelines, 2015. Collection method: not provided. Allele origin: germline. Inheritance: Autosomal recessive inheritance. Affected: yes.

NM_001256545.2(MEGF10):c.116+12G>C

Gene: MEGF10 (multiple EGF like domains 10; plus strand). Cytogenetic location: 5q23.2.
Variant type: single nucleotide variant.
Coding change: c.116+12G>C on transcript NM_001256545.2 (MANE Select); 12 bases into the intron after coding-DNA position 116, G replaced by C.
Molecular consequence: intron variant.
Genome position (GRCh38, 1-based): chr5:127,331,436, G>C. VCF-style: chr5-127331436-G-C. GRCh37 (hg19) VCF-style: chr5-126667128-G-C.
Other names: c.116+12G>C (NM_032446.3, NM_001308119.2, NM_001308121.2).
Identifiers: ClinVar variation 384875 (VCV000384875.7), dbSNP rs775584154, ClinGen allele CA3391166.